The following is an entry in ClinVar:

ClinVar aggregate classification (germline): Uncertain significance (1 of 4 stars; one submission).

Conditions:
Majeed syndrome (MJDS). Also called: LPIN2-Related Majeed Syndrome; CHRONIC RECURRENT MULTIFOCAL OSTEOMYELITIS 1, WITH CONGENITAL DYSERYTHROPOIETIC ANEMIA, WITH OR WITHOUT NEUTROPHILIC DERMATOSIS. Identifiers: Orphanet 77297, MedGen C1864997, MONDO:0012316, OMIM 609628.

gnomAD v4.1: 2 of 1,613,208 alleles (0.00012%); highest among the groups gnomAD compares: African/African-American, 0.0027%; no homozygotes.

Submission:

Labcorp Genetics (formerly Invitae), Labcorp
Classification: Uncertain significance for Majeed syndrome. Last evaluated: 2025-02-27. Review status: criteria provided, single submitter. Criteria: Invitae Variant Classification Sherloc (09022015). Collection method: clinical testing. Allele origin: germline.
Comment: This sequence change falls in intron 19 of the LPIN2 gene. It does not directly change the encoded amino acid sequence of the LPIN2 protein. This variant is present in population databases (rs757226809, gnomAD 0.0009%). This variant has not been reported in the literature in individuals affected with LPIN2-related conditions. Algorithms developed to predict the effect of sequence changes on RNA splicing suggest that this variant may disrupt the consensus splice site. In summary, the available evidence is currently insufficient to determine the role of this variant in disease. Therefore, it has been classified as a Variant of Uncertain Significance.

NM_001375808.2(LPIN2):c.2547-13A>G

Gene: LPIN2 (lipin 2; minus strand). Cytogenetic location: 18p11.31.
Variant type: single nucleotide variant.
Coding change: c.2547-13A>G on transcript NM_001375808.2 (MANE Select); 13 bases into the intron before coding-DNA position 2547, A replaced by G.
Molecular consequence: intron variant.
Genome position (GRCh38, 1-based): chr18:2,920,450, T>C on the plus strand (A>G on the coding strand, the complement: LPIN2 is on the minus strand). VCF-style: chr18-2920450-T-C. GRCh37 (hg19) VCF-style: chr18-2920448-T-C.
Other names: c.2547-13A>G (NM_014646.2, NM_001375809.1).
Identifiers: ClinVar variation 4761073 (VCV004761073.1).